The following is an entry in ClinVar:

ClinVar aggregate classification (germline): Likely benign. Review status: criteria provided, multiple submitters, no conflicts (2 of 4 stars). 3 submissions from 3 submitters: Likely benign (3). Last evaluated 2026-01-19.

Conditions:
Nephronophthisis. Also called: Juvenile Nephronophthisis. Identifiers: Orphanet 655, MedGen C0687120, MONDO:0019005, HP:0000090.
Meckel-Gruber syndrome. Also called: Dysencephalia splachnocystica; GRUBER SYNDROME; DYSENCEPHALIA SPLANCHNOCYSTICA. Identifiers: Orphanet 564, MedGen C0265215, MONDO:0018921.
Joubert syndrome. Also called: Familial aplasia of the vermis; JOUBERT-BOLTSHAUSER SYNDROME. Identifiers: Orphanet 475, MedGen C5979921, MONDO:0018772.

Allele frequency attached by ClinVar (database versions not stated): gnomAD 0.00001; gnomAD exomes 0.00002; TOPMed 0.00003; ExAC 0.00004.
gnomAD v4.1: 34 of 1,493,214 alleles (0.0023%); highest among the groups gnomAD compares: Non-Finnish European, 0.0028%; no homozygotes.

Submissions (3):

Labcorp Genetics (formerly Invitae), Labcorp
Classification: Likely benign for Joubert syndrome; Meckel-Gruber syndrome; Nephronophthisis. Last evaluated: 2026-01-19. Review status: criteria provided, single submitter. Criteria: Invitae Variant Classification Sherloc (09022015). Collection method: clinical testing. Allele origin: germline.

CeGaT Center for Human Genetics Tuebingen
Classification: Likely benign. Last evaluated: 2025-08-01. Review status: criteria provided, single submitter. Criteria: CeGaT Center For Human Genetics Tuebingen Variant Classification Criteria Version 2. Collection method: clinical testing. Allele origin: germline. Affected: yes. Observed: 1 variant allele.
Comment: CEP290: BP4, BP7

Blueprint Genetics
Classification: Likely benign. Last evaluated: 2023-03-06. Review status: criteria provided, single submitter. Criteria: ACMG Guidelines, 2015. Collection method: clinical testing. Allele origin: germline.

NM_025114.4(CEP290):c.1035T>C (p.Ala345=)

Gene: CEP290 (centrosomal protein 290; minus strand). Cytogenetic location: 12q21.32.
Variant type: single nucleotide variant.
Coding change: c.1035T>C on transcript NM_025114.4 (MANE Select); coding-DNA position 1035, T replaced by C.
Protein change: p.Ala345=; no amino-acid change (alanine 345 retained).
Molecular consequence: synonymous variant.
Genome position (GRCh38, 1-based): chr12:88,126,346, A>G on the plus strand (T>C on the coding strand, the complement: CEP290 is on the minus strand). VCF-style: chr12-88126346-A-G. GRCh37 (hg19) VCF-style: chr12-88520123-A-G.
Identifiers: ClinVar variation 699837 (VCV000699837.19), dbSNP rs778053081, ClinGen allele CA6712635.
Genomic context (GRCh38, chr12:88,126,346, plus strand): 5'-TTGATAAACAAAATTCTGTTAAGATTTTACCTGCTGTAGAGCCATAACATTACTTTTATC[A>G]GCATCAAGCTGAGCATTCTTAAGTTTCTCCCTTAGGTTATGTAACATTTGCTGATACTCA-3'
Protein context (NP_079390.3, residues 335-355): REKLKNAQLD[Ala345=]DKSNVMALQQ